The following is an entry in ClinVar:

Single allele

Gene: CNTNAP3B (contactin associated protein family member 3B; minus strand). Cytogenetic location: 9p11.2.
Variant type: single nucleotide variant.
Identifiers: ClinVar variation 4534324 (VCV004534324.3).

ClinVar aggregate classification (germline): Likely benign (1 of 4 stars; one submission).

Submission:

CeGaT Center for Human Genetics Tuebingen
Classification: Likely benign. Last evaluated: 2025-10-01. Review status: criteria provided, single submitter. Criteria: CeGaT Center For Human Genetics Tuebingen Variant Classification Criteria Version 2. Collection method: clinical testing. Allele origin: germline. Affected: yes. Observed: 1 variant allele.
Comment: CNTNAP3B: PM2:Supporting, BP4, BP7